The following is an entry in ClinVar:

NM_000478.6(ALPL):c.1028G>A (p.Gly343Glu)

Gene: ALPL (alkaline phosphatase, biomineralization associated; plus strand). Cytogenetic location: 1p36.12.
Variant type: single nucleotide variant.
Coding change: c.1028G>A on transcript NM_000478.6 (MANE Select); coding-DNA position 1028, G replaced by A.
Protein change: p.Gly343Glu; replaces glycine 343 with glutamic acid.
Molecular consequence: missense variant.
Genome position (GRCh38, 1-based): chr1:21,575,763, G>A. VCF-style: chr1-21575763-G-A. GRCh37 (hg19) VCF-style: chr1-21902256-G-A.
Other names: c.863G>A, p.Gly288Glu (NM_001127501.4); c.797G>A, p.Gly266Glu (NM_001177520.3); c.1028G>A, p.Gly343Glu (NM_001369803.2, NM_001369804.2, NM_001369805.2); short protein forms G266E, G343E, G288E.
Identifiers: ClinVar variation 2104415 (VCV002104415.4), dbSNP rs2545342066, ClinGen allele CA338881035.
Genomic context (GRCh38, chr1:21,575,763, plus strand): 5'-TCACCGAGGCCTTTGCCTTGGTGTCCCAAGGAGGCAGAATTGACCACGGGCACCATGAAG[G>A]AAAAGCCAAGCAGGCCCTGCATGAGGCGGTGGAGATGGACCGGGCCATCGGGCAGGCAGG-3'
Protein context (NP_000469.3, residues 333-353): GGRIDHGHHE[Gly343Glu]KAKQALHEAV

ClinVar aggregate classification (germline): Uncertain significance. Review status: criteria provided, multiple submitters, no conflicts (2 of 4 stars). 2 submissions from 2 submitters: Uncertain significance (2). Last evaluated 2025-12-24.

Submissions (2):

Women's Health and Genetics/Laboratory Corporation of America, LabCorp
Classification: Uncertain significance. Last evaluated: 2025-12-24. Review status: criteria provided, single submitter. Criteria: LabCorp Variant Classification Summary - May 2015. Collection method: clinical testing. Allele origin: germline.
Comment: Variant summary: ALPL c.1028G>A (p.Gly343Glu) results in a non-conservative amino acid change in the encoded protein sequence. Algorithms developed to predict the effect of missense changes on protein structure and function all suggest that this variant is likely to be disruptive. The variant was absent in 251358 control chromosomes. The available data on variant occurrences in the general population are insufficient to allow any conclusion about variant significance. To our knowledge, no occurrence of c.1028G>A in individuals affected with ALPL-related conditions and no experimental evidence demonstrating its impact on protein function have been reported. ClinVar contains an entry for this variant (Variation ID: 2104415). Based on the evidence outlined above, the variant was classified as uncertain significance.

Labcorp Genetics (formerly Invitae), Labcorp
Classification: Uncertain significance. Last evaluated: 2024-12-24. Review status: criteria provided, single submitter. Criteria: Invitae Variant Classification Sherloc (09022015). Collection method: clinical testing. Allele origin: germline.
Comment: This sequence change replaces glycine, which is neutral and non-polar, with glutamic acid, which is acidic and polar, at codon 343 of the ALPL protein (p.Gly343Glu). This variant is not present in population databases (gnomAD no frequency). This variant has not been reported in the literature in individuals affected with ALPL-related conditions. ClinVar contains an entry for this variant (Variation ID: 2104415). Invitae Evidence Modeling of protein sequence and biophysical properties (such as structural, functional, and spatial information, amino acid conservation, physicochemical variation, residue mobility, and thermodynamic stability) indicates that this missense variant is expected to disrupt ALPL protein function with a positive predictive value of 95%. In summary, the available evidence is currently insufficient to determine the role of this variant in disease. Therefore, it has been classified as a Variant of Uncertain Significance.